The following is an entry in ClinVar:

ClinVar aggregate classification (germline): Uncertain significance (1 of 4 stars; one submission).

Conditions:
Clark-Baraitser syndrome. Also called: BARAITSER SYNDROME; Mental retardation, tall stature, obesity, macrocephaly and typical facial features; MENTAL RETARDATION, AUTOSOMAL DOMINANT 49; Intellectual disability, autosomal dominant 49. Identifiers: Orphanet 600731, MedGen C2931130, MONDO:0030914, OMIM 617752.

Submission:

Centre for Mendelian Genomics, University Medical Centre Ljubljana
Classification: Uncertain significance for Clark-Baraitser syndrome. Last evaluated: 2020-01-27. Review status: criteria provided, single submitter. Criteria: ACMG Guidelines, 2015. Collection method: clinical testing. Allele origin: unknown. Affected: yes.
Comment: This variant was classified as: Uncertain significance. The available evidence on this variant's pathogenicity is insufficient or conflicting. The following ACMG criteria were applied in classifying this variant: PM2,PP3.

NM_001348323.3(TRIP12):c.1381C>A (p.Pro461Thr)

Gene: TRIP12 (thyroid hormone receptor interactor 12; minus strand). Cytogenetic location: 2q36.3.
Variant type: single nucleotide variant.
Coding change: c.1381C>A on transcript NM_001348323.3 (MANE Select); coding-DNA position 1381, C replaced by A.
Protein change: p.Pro461Thr; replaces proline 461 with threonine.
Molecular consequence: missense variant.
Genome position (GRCh38, 1-based): chr2:229,829,262, G>T on the plus strand (C>A on the coding strand, the complement: TRIP12 is on the minus strand). VCF-style: chr2-229829262-G-T. GRCh37 (hg19) VCF-style: chr2-230693978-G-T.
Other names: c.1381C>A, p.Pro461Thr (NM_001284214.2, NM_001348315.2, NM_001348319.1 and 11 more transcripts); c.1255C>A, p.Pro419Thr (NM_001284215.2, NM_001348316.2, NM_001348317.1 and 2 more transcripts); c.346C>A, p.Pro116Thr (NM_001284216.2); c.1294C>A, p.Pro432Thr (NM_001348332.1); c.1237C>A, p.Pro413Thr (NM_004238.3); short protein forms P461T, P116T, P413T, P419T, P432T.
Identifiers: ClinVar variation 930284 (VCV000930284.3), dbSNP rs771031325, ClinGen allele CA350883235.
Genomic context (GRCh38, chr2:229,829,262, plus strand): 5'-TTCCAATTGTTCTATGGAAAAGCTGTGACATCCGAGGACCAAGAGGACCAAATAGGTGAG[G>T]GGGAAGACCCCTTGCCTCTAACAAAGCTAAAGAAAAAAGAAGGGCAGAGTGAACAACTAA-3'
Protein context (NP_001335252.1, residues 451-471): QALLEARGLP[Pro461Thr]HLFGPLGPRM